The following is an entry in ClinVar:

NM_018896.5(CACNA1G):c.6199_6200del (p.Arg2067fs)

Gene: CACNA1G (calcium voltage-gated channel subunit alpha1 G; plus strand). Cytogenetic location: 17q21.33.
Variant type: Deletion.
Coding change: c.6199_6200del on transcript NM_018896.5 (MANE Select); coding-DNA positions 6199 to 6200, 2 bases deleted (AG; older notation c.6199_6200delAG).
Protein change: p.Arg2067fs; shifts the reading frame from arginine 2067.
Molecular consequence: frameshift variant. On other transcripts: non-coding transcript variant (5).
Genome position (GRCh38, 1-based): chr17:50,624,045-50,624,046, AG deleted. VCF-style (leftmost placement, unchanged base first): chr17-50624044-CAG-C. GRCh37 (hg19) VCF-style: chr17-48701405-CAG-C.
Other names: c.6010_6011del, p.Arg2004fs (NM_001256324.2); c.5941_5942del, p.Arg1981fs (NM_001256325.2); c.5929_5930del, p.Arg1977fs (NM_001256326.2); c.5899_5900del, p.Arg1967fs (NM_001256327.2); c.5845_5846del, p.Arg1949fs (NM_001256328.2); c.5818_5819del, p.Arg1940fs (NM_001256329.2, NM_198376.3, NM_198387.3); c.5785_5786del, p.Arg1929fs (NM_001256330.2); c.5764_5765del, p.Arg1922fs (NM_001256331.2); and 15 more; short protein forms R1917fs, R1922fs, R1929fs, R1933fs, R1936fs, R1938fs, R1940fs, R1947fs.
Identifiers: ClinVar variation 4686318 (VCV004686318.1).

ClinVar aggregate classification (germline): Uncertain significance (1 of 4 stars; one submission).

Submission:

GeneDx
Classification: Uncertain significance. Last evaluated: 2025-07-17. Review status: criteria provided, single submitter. Criteria: GeneDx Variant Classification Process June 2021. Collection method: clinical testing. Allele origin: germline. Affected: yes.
Comment: Frameshift variant predicted to result in abnormal protein length as the last 311 amino acids are replaced with 71 different amino acids; Not observed at significant frequency in large population cohorts (gnomAD); Has not been previously published as pathogenic or benign to our knowledge